The following is an entry in ClinVar:

NM_001023.4(RPS20):c.68C>T (p.Thr23Ile)

Gene: RPS20 (ribosomal protein S20; minus strand). Cytogenetic location: 8q12.1.
Variant type: single nucleotide variant.
Coding change: c.68C>T on transcript NM_001023.4 (MANE Select); coding-DNA position 68, C replaced by T.
Protein change: p.Thr23Ile; replaces threonine 23 with isoleucine.
Molecular consequence: missense variant.
Genome position (GRCh38, 1-based): chr8:56,074,095, G>A on the plus strand (C>T on the coding strand, the complement: RPS20 is on the minus strand). VCF-style: chr8-56074095-G-A. GRCh37 (hg19) VCF-style: chr8-56986654-G-A.
Other names: c.68C>T, p.Thr23Ile (NM_001146227.3); short protein forms T23I.
Identifiers: ClinVar variation 1756058 (VCV001756058.2), dbSNP rs1809855855, ClinGen allele CA371283795.

ClinVar aggregate classification (germline): Uncertain significance (1 of 4 stars; one submission).

Allele frequency attached by ClinVar (database versions not stated): gnomAD exomes below 0.00001; TOPMed below 0.00001.
gnomAD v4.1: 1 of 1,613,884 alleles (0.000062%); highest among the groups gnomAD compares: Non-Finnish European, 0.000085%; no homozygotes.

Submission:

Ambry Genetics
Classification: Uncertain significance. Last evaluated: 2022-10-30. Review status: criteria provided, single submitter. Criteria: Ambry Variant Classification Scheme 2023. Collection method: clinical testing. Allele origin: germline.
Comment: The p.T23I variant (also known as c.68C>T), located in coding exon 2 of the RPS20 gene, results from a C to T substitution at nucleotide position 68. The threonine at codon 23 is replaced by isoleucine, an amino acid with similar properties. This amino acid position is conserved. In addition, this alteration is predicted to be deleterious by in silico analysis. Since supporting evidence is limited at this time, the clinical significance of this alteration remains unclear.